The following is an entry in ClinVar:

NM_001083116.3(PRF1):c.1385C>A (p.Ser462Ter)

Gene: PRF1 (perforin 1; minus strand). Cytogenetic location: 10q22.1.
Variant type: single nucleotide variant.
Coding change: c.1385C>A on transcript NM_001083116.3 (MANE Select); coding-DNA position 1385, C replaced by A.
Protein change: p.Ser462Ter; replaces serine 462 with a stop codon.
Molecular consequence: nonsense.
Genome position (GRCh38, 1-based): chr10:70,598,336, G>T on the plus strand (C>A on the coding strand, the complement: PRF1 is on the minus strand). VCF-style: chr10-70598336-G-T. GRCh37 (hg19) VCF-style: chr10-72358092-G-T.
Other names: c.1385C>A, p.Ser462Ter (NM_005041.6); short protein forms S462*.
Identifiers: ClinVar variation 561093 (VCV000561093.2), dbSNP rs1564723653, ClinGen allele CA376955748.
Genomic context (GRCh38, chr10:70,598,336, plus strand): 5'-ACCTGCAACCTCAGGGGCCCCCCTGTGGCCAGGAGCACATCCCCAAAATCCAGCCGCACT[G>T]ACCAGATGGGGTTGTTATTGTCCCACACGGTGCTCGTCCTCAGCTCCTGGCCACCAAAGA-3'

ClinVar aggregate classification (germline): Pathogenic (1 of 4 stars; one submission).

Conditions:
Familial hemophagocytic lymphohistiocytosis 2 (FHL2). Also called: PRF1-Related Familial Hemophagocytic Lymphohistiocytosis (PRF1-fHLH). Identifiers: Orphanet 540, MedGen C1863727, MONDO:0011337, OMIM 603553.

Submission:

Baylor Genetics
Classification: Pathogenic for Familial hemophagocytic lymphohistiocytosis 2. Last evaluated: 2017-09-01. Review status: criteria provided, single submitter. Criteria: ACMG Guidelines, 2015. Collection method: clinical testing. Allele origin: maternal. Inheritance: Autosomal recessive inheritance. Affected: yes.

Literature cited by the submitters: PubMed 25326635.